The following is an entry in ClinVar:

ClinVar aggregate classification (germline): Likely pathogenic (1 of 4 stars; one submission).

Submission:

Labcorp Genetics (formerly Invitae), Labcorp
Classification: Likely pathogenic. Last evaluated: 2023-10-10. Review status: criteria provided, single submitter. Criteria: Invitae Variant Classification Sherloc (09022015). Collection method: clinical testing. Allele origin: germline.
Comment: This sequence change replaces alanine, which is neutral and non-polar, with valine, which is neutral and non-polar, at codon 298 of the FH protein (p.Ala298Val). This variant is not present in population databases (gnomAD no frequency). This variant has not been reported in the literature in individuals affected with FH-related conditions. Advanced modeling of protein sequence and biophysical properties (such as structural, functional, and spatial information, amino acid conservation, physicochemical variation, residue mobility, and thermodynamic stability) performed at Invitae indicates that this missense variant is expected to disrupt FH protein function. This variant disrupts the p.Ala298 amino acid residue in FH. Other variant(s) that disrupt this residue have been determined to be pathogenic (PMID: 22764886; Invitae). This suggests that this residue is clinically significant, and that variants that disrupt this residue are likely to be disease-causing. In summary, the currently available evidence indicates that the variant is pathogenic, but additional data are needed to prove that conclusively. Therefore, this variant has been classified as Likely Pathogenic.

Literature cited by the submitters: PubMed 22764886.

NM_000143.4(FH):c.893C>T (p.Ala298Val)

Gene: FH (fumarate hydratase; minus strand). Cytogenetic location: 1q43.
Variant type: single nucleotide variant.
Coding change: c.893C>T on transcript NM_000143.4 (MANE Select); coding-DNA position 893, C replaced by T.
Protein change: p.Ala298Val; replaces alanine 298 with valine.
Molecular consequence: missense variant.
Genome position (GRCh38, 1-based): chr1:241,506,014, G>A on the plus strand (C>T on the coding strand, the complement: FH is on the minus strand). VCF-style: chr1-241506014-G-A. GRCh37 (hg19) VCF-style: chr1-241669314-G-A.
Other names: short protein forms A298V.
Identifiers: ClinVar variation 2909886 (VCV002909886.3), dbSNP rs1573881563, ClinGen allele CA345438790.
Genomic context (GRCh38, chr1:241,506,014, plus strand): 5'-CACGTATAATGAGAAATGAAAATGAGAAATAATTCACGTGATCACTAACCTGTAAGTGCA[G>A]CCACTTTTGCAGCAACCTTTTCTGCAAAGCCAATTCTAGTATTTAAACCTGTACCAACAG-3'
Protein context (NP_000134.2, residues 288-308): GFAEKVAAKV[Ala298Val]ALTGLPFVTA